The following is an entry in ClinVar:

NM_032578.4(MYPN):c.373C>G (p.Pro125Ala)

Gene: MYPN (myopalladin; plus strand). Cytogenetic location: 10q21.3.
Variant type: single nucleotide variant.
Coding change: c.373C>G on transcript NM_032578.4 (MANE Select); coding-DNA position 373, C replaced by G.
Protein change: p.Pro125Ala; replaces proline 125 with alanine.
Molecular consequence: missense variant. On other transcripts: 5 prime UTR variant (1), non-coding transcript variant (1).
Genome position (GRCh38, 1-based): chr10:68,121,811, C>G. VCF-style: chr10-68121811-C-G. GRCh37 (hg19) VCF-style: chr10-69881568-C-G.
Other names: c.373C>G, p.Pro125Ala (NM_001256267.2); c.-750C>G (NM_001256268.2); short protein forms P125A.
Identifiers: ClinVar variation 1412339 (VCV001412339.9), dbSNP rs2133994610, ClinGen allele CA377104205.
Genomic context (GRCh38, chr10:68,121,811, plus strand): 5'-ATGAAACACTCACCTAATTTAAGTTTTGAGCCTAACTTCTGCCAGGATAACCCTCGAAGT[C>G]CCACCAGCTCTAAAGAAAGCCCCCAGGAGGCAAAAAGGCCACAGTATTGTTCTGAAACCC-3'
Protein context (NP_115967.2, residues 115-135): PNFCQDNPRS[Pro125Ala]TSSKESPQEA

ClinVar aggregate classification (germline): Uncertain significance. Review status: criteria provided, multiple submitters, no conflicts (2 of 4 stars). 2 submissions from 2 submitters: Uncertain significance (2). Last evaluated 2023-08-04.

Conditions:
Dilated cardiomyopathy 1KK (CMD1KK). Identifiers: Orphanet 154, Orphanet 75249, MedGen C3714995, MONDO:0014100, OMIM 615248.
MYPN-related myopathy (CMYO24). Also called: Nemaline myopathy 11, autosomal recessive. Identifiers: MedGen C4479186, MONDO:0015023, OMIM 617336.

Allele frequency attached by ClinVar (database versions not stated): gnomAD exomes below 0.00001.

Submissions (2):

Labcorp Genetics (formerly Invitae), Labcorp
Classification: Uncertain significance for Dilated cardiomyopathy 1KK. Last evaluated: 2023-08-04. Review status: criteria provided, single submitter. Criteria: Invitae Variant Classification Sherloc (09022015). Collection method: clinical testing. Allele origin: germline.
Comment: In summary, the available evidence is currently insufficient to determine the role of this variant in disease. Therefore, it has been classified as a Variant of Uncertain Significance. ClinVar contains an entry for this variant (Variation ID: 1412339). This variant is not present in population databases (gnomAD no frequency). This variant has not been reported in the literature in individuals affected with MYPN-related conditions. Algorithms developed to predict the effect of missense changes on protein structure and function output the following: SIFT: "Not Available"; PolyPhen-2: "Benign"; Align-GVGD: "Not Available". The alanine amino acid residue is found in multiple mammalian species, which suggests that this missense change does not adversely affect protein function. This sequence change replaces proline, which is neutral and non-polar, with alanine, which is neutral and non-polar, at codon 125 of the MYPN protein (p.Pro125Ala).

Fulgent Genetics
Classification: Uncertain significance for Dilated cardiomyopathy 1KK; MYPN-related myopathy. Last evaluated: 2021-09-24. Review status: criteria provided, single submitter. Criteria: ACMG Guidelines, 2015. Collection method: clinical testing. Allele origin: unknown.